The following is an entry in ClinVar:

ClinVar aggregate classification (germline): Uncertain significance (1 of 4 stars; one submission).

Submission:

Labcorp Genetics (formerly Invitae), Labcorp
Classification: Uncertain significance. Last evaluated: 2023-10-13. Review status: criteria provided, single submitter. Criteria: Invitae Variant Classification Sherloc (09022015). Collection method: clinical testing. Allele origin: germline.
Comment: This sequence change replaces lysine, which is basic and polar, with threonine, which is neutral and polar, at codon 536 of the ALPK3 protein (p.Lys536Thr). This variant is not present in population databases (gnomAD no frequency). This variant has not been reported in the literature in individuals affected with ALPK3-related conditions. An algorithm developed to predict the effect of missense changes on protein structure and function (PolyPhen-2) suggests that this variant is likely to be tolerated. In summary, the available evidence is currently insufficient to determine the role of this variant in disease. Therefore, it has been classified as a Variant of Uncertain Significance.

NM_020778.5(ALPK3):c.1001A>C (p.Lys334Thr)

Gene: ALPK3 (alpha kinase 3; plus strand). Cytogenetic location: 15q25.3.
Variant type: single nucleotide variant.
Coding change: c.1001A>C on transcript NM_020778.5 (MANE Select); coding-DNA position 1001, A replaced by C.
Protein change: p.Lys334Thr; replaces lysine 334 with threonine.
Molecular consequence: missense variant.
Genome position (GRCh38, 1-based): chr15:84,840,280, A>C. VCF-style: chr15-84840280-A-C. GRCh37 (hg19) VCF-style: chr15-85383511-A-C.
Other names: short protein forms K334T.
Identifiers: ClinVar variation 2767871 (VCV002767871.3), dbSNP rs2505705831, ClinGen allele CA393374059.